The following is an entry in ClinVar:

ClinVar aggregate classification (germline): Uncertain significance (1 of 4 stars; one submission).

Conditions:
Familial cold autoinflammatory syndrome 2 (FCAS2). Identifiers: Orphanet 247868, MedGen C2673198, MONDO:0012724, OMIM 611762.

Allele frequency attached by ClinVar (database versions not stated): gnomAD exomes below 0.00001.
gnomAD v4.1: 2 of 1,614,026 alleles (0.00012%); highest among the groups gnomAD compares: South Asian, 0.0011%; no homozygotes.

Submission:

Labcorp Genetics (formerly Invitae), Labcorp
Classification: Uncertain significance for Familial cold autoinflammatory syndrome 2. Last evaluated: 2024-10-21. Review status: criteria provided, single submitter. Criteria: Invitae Variant Classification Sherloc (09022015). Collection method: clinical testing. Allele origin: germline.
Comment: This sequence change replaces proline, which is neutral and non-polar, with histidine, which is basic and polar, at codon 309 of the NLRP12 protein (p.Pro309His). This variant is present in population databases (no rsID available, gnomAD 0.0009%). This variant has not been reported in the literature in individuals affected with NLRP12-related conditions. ClinVar contains an entry for this variant (Variation ID: 660603). Invitae Evidence Modeling of protein sequence and biophysical properties (such as structural, functional, and spatial information, amino acid conservation, physicochemical variation, residue mobility, and thermodynamic stability) indicates that this missense variant is not expected to disrupt NLRP12 protein function with a negative predictive value of 80%. In summary, the available evidence is currently insufficient to determine the role of this variant in disease. Therefore, it has been classified as a Variant of Uncertain Significance.

NM_144687.4(NLRP12):c.926C>A (p.Pro309His)

Gene: NLRP12 (NLR family pyrin domain containing 12; minus strand). Cytogenetic location: 19q13.42.
Variant type: single nucleotide variant.
Coding change: c.926C>A on transcript NM_144687.4 (MANE Select); coding-DNA position 926, C replaced by A.
Protein change: p.Pro309His; replaces proline 309 with histidine.
Molecular consequence: missense variant.
Genome position (GRCh38, 1-based): chr19:53,810,733, G>T on the plus strand (C>A on the coding strand, the complement: NLRP12 is on the minus strand). VCF-style: chr19-53810733-G-T. GRCh37 (hg19) VCF-style: chr19-54313987-G-T.
Other names: c.926C>A, p.Pro309His (NM_001277126.2, NM_001277129.1); short protein forms P309H.
Identifiers: ClinVar variation 660603 (VCV000660603.8), dbSNP rs1410857959, ClinGen allele CA407415504.